The following is an entry in ClinVar:

NM_000051.4(ATM):c.2467-11C>T

Gene: ATM (ATM serine/threonine kinase; plus strand). Cytogenetic location: 11q22.3.
Variant type: single nucleotide variant.
Coding change: c.2467-11C>T on transcript NM_000051.4 (MANE Select); 11 bases into the intron before coding-DNA position 2467, C replaced by T.
Molecular consequence: intron variant.
Genome position (GRCh38, 1-based): chr11:108,267,160, C>T. VCF-style: chr11-108267160-C-T. GRCh37 (hg19) VCF-style: chr11-108137887-C-T.
Other names: c.2467-11C>T (NM_001351834.2).
Identifiers: ClinVar variation 1658160 (VCV001658160.9), dbSNP rs1267435091, ClinGen allele CA2573146401.

ClinVar aggregate classification (germline): Likely benign. Review status: criteria provided, multiple submitters, no conflicts (2 of 4 stars). 2 submissions from 2 submitters: Likely benign (2). Last evaluated 2025-10-28.

Conditions:
Ataxia-telangiectasia syndrome (AT). Also called: ATAXIA-TELANGIECTASIA, COMPLEMENTATION GROUP A; ATAXIA-TELANGIECTASIA, FRESNO VARIANT; Ataxia-telangiectasia, complementation group E; Ataxia telangiectasia (A-T); Ataxia-telangiectasia, complementation group D; AT, COMPLEMENTATION GROUP C. Identifiers: Orphanet 100, MedGen C0004135, MONDO:0008840, OMIM 208900.
Familial cancer of breast. Also called: hereditary breast carcinoma; BREAST CANCER, FAMILIAL; Hereditary breast cancer. Identifiers: Orphanet 227535, MedGen C0346153, MONDO:0016419, OMIM 114480. Disease mechanism: loss of function.

Submissions (2):

Labcorp Genetics (formerly Invitae), Labcorp
Classification: Likely benign for Ataxia-telangiectasia syndrome. Last evaluated: 2025-10-28. Review status: criteria provided, single submitter. Criteria: Invitae Variant Classification Sherloc (09022015). Collection method: clinical testing. Allele origin: germline.

Myriad Genetics, Inc.
Classification: Likely benign for Familial cancer of breast. Last evaluated: 2024-05-09. Review status: criteria provided, single submitter. Criteria: Myriad Autosomal Dominant, Autosomal Recessive and X-Linked Classification Criteria (2023). Collection method: clinical testing. Allele origin: unknown.
Comment: This variant is considered likely benign. This variant is intronic and is not expected to impact mRNA splicing.